The following is an entry in ClinVar:

NM_172070.4(UBR3):c.1626C>T (p.Asn542=)

Gene: UBR3 (ubiquitin protein ligase E3 component n-recognin 3; plus strand). Cytogenetic location: 2q31.1.
Variant type: single nucleotide variant.
Coding change: c.1626C>T on transcript NM_172070.4 (MANE Select); coding-DNA position 1626, C replaced by T.
Protein change: p.Asn542=; no amino-acid change (asparagine 542 retained).
Molecular consequence: synonymous variant.
Genome position (GRCh38, 1-based): chr2:169,905,274, C>T. VCF-style: chr2-169905274-C-T. GRCh37 (hg19) VCF-style: chr2-170761784-C-T.
Identifiers: ClinVar variation 2651531 (VCV002651531.24), dbSNP rs188178940, ClinGen allele CA1959872.

ClinVar aggregate classification (germline): Benign (1 of 4 stars; one submission).

Allele frequency attached by ClinVar (database versions not stated): ExAC 0.00050; TOPMed 0.00088; gnomAD 0.00093; ESP Exome Variant Server 0.00110; 1000 Genomes Project 0.00120; gnomAD exomes 0.00142; 1000 Genomes Project 30x 0.00172.
gnomAD v4.1: 2,067 of 1,525,668 alleles (0.14%); highest among the groups gnomAD compares: Non-Finnish European, 0.17%; 2 homozygotes.

Submission:

CeGaT Center for Human Genetics Tuebingen
Classification: Benign. Last evaluated: 2023-03-01. Review status: criteria provided, single submitter. Criteria: CeGaT Center For Human Genetics Tuebingen Variant Classification Criteria Version 2. Collection method: clinical testing. Allele origin: germline. Affected: yes. Observed: 1 variant allele.
Comment: UBR3: BP4, BS1, BS2